The following is an entry in ClinVar:

NM_001458.5(FLNC):c.6459C>T (p.Thr2153=)

Genes: FLNC (filamin C; plus strand), FLNC-AS1 (FLNC antisense RNA 1; minus strand). Cytogenetic location: 7q32.1.
Variant type: single nucleotide variant.
Coding change: c.6459C>T on transcript NM_001458.5 (MANE Select); coding-DNA position 6459, C replaced by T.
Protein change: p.Thr2153=; no amino-acid change (threonine 2153 retained).
Molecular consequence: synonymous variant.
Genome position (GRCh38, 1-based): chr7:128,853,812, C>T. VCF-style: chr7-128853812-C-T. GRCh37 (hg19) VCF-style: chr7-128493866-C-T.
Other names: p.Thr2153=; c.6360C>T, p.Thr2120= (NM_001127487.2).
Identifiers: ClinVar variation 197064 (VCV000197064.28), dbSNP rs113618587, ClinGen allele CA202682.

ClinVar aggregate classification (germline): Benign/Likely benign. Review status: criteria provided, multiple submitters, no conflicts (2 of 4 stars). 13 submissions from 13 submitters: Benign (10); Likely benign (1). 2 of the submissions do not count toward it. Last evaluated 2026-02-03.

Conditions:
Cardiovascular phenotype. Identifiers: MedGen CN230736.
Hypertrophic cardiomyopathy 26. Also called: Cardiomyopathy, familial hypertrophic, 26. Identifiers: Orphanet 75249, MedGen C4310749, MONDO:0014883, OMIM 617047.
Distal myopathy with posterior leg and anterior hand involvement. Also called: WILLIAMS DISTAL MYOPATHY. Identifiers: Orphanet 63273, MedGen C3279722, MONDO:0013550, OMIM 614065.
Myofibrillar myopathy 5. Also called: Filaminopathy (type); FILAMINOPATHY, AUTOSOMAL DOMINANT. Identifiers: Orphanet 171445, MedGen C1836050, MONDO:0012289, OMIM 609524.
Cardiomyopathy (CMYO). Also called: Cardiomyopathies. Identifiers: Orphanet 167848, MedGen C0878544, MONDO:0004994, HP:0001638. Inheritance: Various modes of inheritance.

Allele frequency attached by ClinVar (database versions not stated): ESP Exome Variant Server 0.00110; gnomAD 0.00135 and 0.00343; TOPMed 0.00194; ExAC 0.00912; 1000 Genomes Project 30x 0.02202; 1000 Genomes Project 0.02416.

Submissions (13):

Labcorp Genetics (formerly Invitae), Labcorp
Classification: Benign for Distal myopathy with posterior leg and anterior hand involvement; Myofibrillar myopathy 5; Hypertrophic cardiomyopathy 26. Last evaluated: 2026-02-03. Review status: criteria provided, single submitter. Criteria: Invitae Variant Classification Sherloc (09022015). Collection method: clinical testing. Allele origin: germline.

ARUP Laboratories, Molecular Genetics and Genomics, ARUP Laboratories
Classification: Benign. Last evaluated: 2025-06-05. Review status: criteria provided, single submitter. Criteria: ARUP Molecular Germline Variant Investigation Process 2024. Collection method: clinical testing. Allele origin: germline.

Molecular Diagnostic Laboratory for Inherited Cardiovascular Disease, Montreal Heart Institute
Classification: Benign. Last evaluated: 2025-04-09. Review status: criteria provided, single submitter. Criteria: ACMG Guidelines, 2015. Collection method: clinical testing. Allele origin: germline. Affected: no.

Blueprint Genetics
Classification: Likely benign. Last evaluated: 2024-11-26. Review status: criteria provided, single submitter. Criteria: ACMG Guidelines, 2015. Collection method: clinical testing. Allele origin: germline.

Mayo Clinic Laboratories, Mayo Clinic
Classification: Benign. Last evaluated: 2023-08-20. Review status: criteria provided, single submitter. Criteria: ACMG Guidelines, 2015. Collection method: clinical testing. Allele origin: germline. Observed: 11 variant alleles.

CHEO Genetics Diagnostic Laboratory, Children's Hospital of Eastern Ontario
Classification: Benign for Cardiomyopathy. Last evaluated: 2023-05-16. Review status: criteria provided, single submitter. Criteria: ACMG Guidelines, 2015. Collection method: clinical testing. Allele origin: germline.

Women's Health and Genetics/Laboratory Corporation of America, LabCorp
Classification: Benign. Last evaluated: 2023-04-10. Review status: criteria provided, single submitter. Criteria: LabCorp Variant Classification Summary - May 2015. Collection method: clinical testing. Allele origin: germline.

Ambry Genetics
Classification: Benign for Cardiovascular phenotype. Last evaluated: 2019-03-20. Review status: criteria provided, single submitter. Criteria: Ambry Variant Classification Scheme 2023. Collection method: clinical testing. Allele origin: germline.

GeneDx
Classification: Benign. Last evaluated: 2016-04-26. Review status: criteria provided, single submitter. Criteria: GeneDx Variant Classification (06012015). Collection method: clinical testing. Allele origin: germline. Affected: yes.
Comment: This variant is considered likely benign or benign based on one or more of the following criteria: it is a conservative change, it occurs at a poorly conserved position in the protein, it is predicted to be benign by multiple in silico algorithms, and/or has population frequency not consistent with disease.

Eurofins Ntd Llc (ga)
Classification: Benign. Last evaluated: 2014-12-23. Review status: criteria provided, single submitter. Criteria: EGL Classification Definitions 2015. Collection method: clinical testing. Allele origin: germline. Observed: 2 variant alleles, 2 heterozygotes.

PreventionGenetics, part of Exact Sciences
Classification: Benign. Review status: criteria provided, single submitter. Criteria: ACMG Guidelines, 2015. Collection method: clinical testing. Allele origin: germline.

Clinical Genetics, Academic Medical Center
Classification: Benign. Review status: no assertion criteria provided. Collection method: clinical testing. Allele origin: germline. Affected: yes. Study: VKGL Data-share Consensus. Not counted in ClinVar's aggregate classification.

Joint Genome Diagnostic Labs from Nijmegen and Maastricht, Radboudumc and MUMC+
Classification: Benign. Review status: no assertion criteria provided. Collection method: clinical testing. Allele origin: germline. Affected: yes. Study: VKGL Data-share Consensus. Not counted in ClinVar's aggregate classification.